The following is an entry in ClinVar:

ClinVar aggregate classification (germline): Uncertain significance. Review status: criteria provided, single submitter (1 of 4 stars). 2 submissions from 2 submitters: Uncertain significance (1). 1 of the submissions does not count toward it. Last evaluated 2022-08-23.

Conditions:
Glycogen storage disease, type II (IOPD). Also called: Glucosidase acid-1,4-alpha deficiency; Pompe Disease; POMPE DISEASE, INFANTILE-ONSET; GLYCOGEN STORAGE DISEASE II, INFANTILE-ONSET; ACID ALPHA-GLUCOSIDASE DEFICIENCY, INFANTILE-ONSET; GAA DEFICIENCY, INFANTILE-ONSET. Identifiers: Orphanet 365, MedGen C0017921, MONDO:0009290, OMIM 232300.

Allele frequency attached by ClinVar (database versions not stated): gnomAD 0.00001 and 0.00002; gnomAD exomes 0.00001; ExAC 0.00002.
gnomAD v4.1: 14 of 1,603,574 alleles (0.00087%); highest among the groups gnomAD compares: East Asian, 0.0068%; no homozygotes.

Submissions (2):

Labcorp Genetics (formerly Invitae), Labcorp
Classification: Uncertain significance for Glycogen storage disease, type II. Last evaluated: 2022-08-23. Review status: criteria provided, single submitter. Criteria: Invitae Variant Classification Sherloc (09022015). Collection method: clinical testing. Allele origin: germline.
Comment: This sequence change replaces glutamine, which is neutral and polar, with arginine, which is basic and polar, at codon 433 of the GAA protein (p.Gln433Arg). The frequency data for this variant in the population databases is considered unreliable, as metrics indicate poor data quality at this position in the gnomAD database. This variant has not been reported in the literature in individuals affected with GAA-related conditions. ClinVar contains an entry for this variant (Variation ID: 456373). Advanced modeling of protein sequence and biophysical properties (such as structural, functional, and spatial information, amino acid conservation, physicochemical variation, residue mobility, and thermodynamic stability) performed at Invitae indicates that this missense variant is not expected to disrupt GAA protein function. In summary, the available evidence is currently insufficient to determine the role of this variant in disease. Therefore, it has been classified as a Variant of Uncertain Significance.

Natera, Inc.
Classification: Uncertain significance for Glycogen storage disease type II. Last evaluated: 2019-10-28. Review status: no assertion criteria provided. Collection method: clinical testing. Allele origin: germline. Not counted in ClinVar's aggregate classification.

NM_000152.5(GAA):c.1298A>G (p.Gln433Arg)

Gene: GAA (alpha glucosidase; plus strand). Cytogenetic location: 17q25.3.
Variant type: single nucleotide variant.
Coding change: c.1298A>G on transcript NM_000152.5 (MANE Select); coding-DNA position 1298, A replaced by G.
Protein change: p.Gln433Arg; replaces glutamine 433 with arginine.
Molecular consequence: missense variant.
Genome position (GRCh38, 1-based): chr17:80,108,800, A>G. VCF-style: chr17-80108800-A-G. GRCh37 (hg19) VCF-style: chr17-78082599-A-G.
Other names: c.1298A>G (LRG_673t1); c.1298A>G, p.Gln433Arg (NM_001079803.3, NM_001079804.3); short protein forms Q433R.
Identifiers: ClinVar variation 456373 (VCV000456373.8), dbSNP rs201463496, ClinGen allele CA8815252.